The following is an entry in ClinVar:

ClinVar aggregate classification (germline): Likely benign (1 of 4 stars; one submission).

Allele frequency attached by ClinVar (database versions not stated): 1000 Genomes Project 30x 0.00671; TOPMed 0.00675; gnomAD 0.00639 and 0.00682; ExAC 0.00193; ESP Exome Variant Server 0.00638; gnomAD exomes 0.00057 and 0.00152; 1000 Genomes Project 0.00659.
gnomAD v4.1: 1,808 of 1,611,420 alleles (0.11%); highest among the groups gnomAD compares: African/African-American, 2.2%; 21 homozygotes.

Submissions (3):

GeneDx
Classification: Likely benign. Last evaluated: 2018-06-16. Review status: criteria provided, single submitter. Criteria: GeneDx Variant Classification (06012015). Collection method: clinical testing. Allele origin: germline. Affected: yes.
Comment: This variant is considered likely benign or benign based on one or more of the following criteria: it is a conservative change, it occurs at a poorly conserved position in the protein, it is predicted to be benign by multiple in silico algorithms, and/or has population frequency not consistent with disease.

Dr. Peter K. Rogan Lab, Western University
No classification provided (evidence only). Condition: Malignant tumor of esophagus. Review status: no classification provided. Collection method: in vitro. Allele origin: not applicable. Functional consequence: skipped exon. Not counted in ClinVar's aggregate classification.

Dr. Peter K. Rogan Lab, Western University
No classification provided (evidence only). Condition: Malignant tumor of esophagus. Review status: no classification provided. Collection method: in vitro. Allele origin: not applicable. Functional consequence: skipped exon, retained intron. Not counted in ClinVar's aggregate classification.

NM_001376.5(DYNC1H1):c.7015-38A>G

Gene: DYNC1H1 (dynein cytoplasmic 1 heavy chain 1; plus strand). Cytogenetic location: 14q32.31.
Variant type: single nucleotide variant.
Coding change: c.7015-38A>G on transcript NM_001376.5 (MANE Select); 38 bases into the intron before coding-DNA position 7015, A replaced by G.
Molecular consequence: intron variant.
Genome position (GRCh38, 1-based): chr14:102,015,067, A>G. VCF-style: chr14-102015067-A-G. GRCh37 (hg19) VCF-style: chr14-102481404-A-G.
Other names: NC_000014.8:g.102481404A>G.
Identifiers: ClinVar variation 676920 (VCV000676920.2), dbSNP rs77775506, ClinGen allele CA7352729.
Genomic context (GRCh38, chr14:102,015,067, plus strand): 5'-AAAGTCACCCTTTCAGTGTATATATAGGTAAAAGAATCTTAATGTCCAGGTTTCTTCCAA[A>G]CCTATGTCATTAAATCTGCTTAATGTTTTCTTTCAAGGTGAGAATAATGTTTGAGGTACA-3'